The following is an entry in ClinVar:

NM_022552.5(DNMT3A):c.2173+9C>T

Gene: DNMT3A (DNA methyltransferase 3 alpha; minus strand). Cytogenetic location: 2p23.3.
Variant type: single nucleotide variant.
Coding change: c.2173+9C>T on transcript NM_022552.5 (MANE Select); 9 bases into the intron after coding-DNA position 2173, C replaced by T.
Molecular consequence: intron variant.
Genome position (GRCh38, 1-based): chr2:25,240,631, G>A on the plus strand (C>T on the coding strand, the complement: DNMT3A is on the minus strand). VCF-style: chr2-25240631-G-A. GRCh37 (hg19) VCF-style: chr2-25463500-G-A.
Other names: c.2173+9C>T (NM_175629.2); c.1606+9C>T (NM_153759.3); c.1717+9C>T (NM_001320893.1); c.1504+9C>T (NM_001375819.1).
Identifiers: ClinVar variation 3057908 (VCV003057908.2), dbSNP rs376848218, ClinGen allele CA43699096.

ClinVar aggregate classification (germline): Likely benign (0 of 4 stars; one submission).

Conditions:
DNMT3A-related disorder. Also called: DNMT3A-related disorders; DNMT3A-related condition.

Allele frequency attached by ClinVar (database versions not stated): gnomAD exomes below 0.00001; ESP Exome Variant Server 0.00008.
gnomAD v4.1: 1 of 1,614,136 alleles (0.000062%); highest among the groups gnomAD compares: Non-Finnish European, 0.000085%; no homozygotes.

Submission:

PreventionGenetics, part of Exact Sciences
Classification: Likely benign for DNMT3A-related condition. Last evaluated: 2022-10-18. Review status: no assertion criteria provided. Collection method: clinical testing. Allele origin: germline.
Comment: This variant is classified as likely benign based on ACMG/AMP sequence variant interpretation guidelines (Richards et al. 2015 PMID: 25741868, with internal and published modifications).